The following is an entry in ClinVar:

ClinVar aggregate classification (germline): Uncertain significance. Review status: criteria provided, multiple submitters, no conflicts (2 of 4 stars). 2 submissions from 2 submitters: Uncertain significance (2). Last evaluated 2022-07-03.

Conditions:
Epidermolysis bullosa simplex, Ogna type (EBS5A). Also called: Pidermolysis bullosa simplex 5A, Ogna type; EPIDERMOLYSIS BULLOSA SIMPLEX 5A, OGNA TYPE. Identifiers: Orphanet 79401, MedGen C0432317, MONDO:0007555, OMIM 131950.
Epidermolysis bullosa simplex 5C, with pyloric atresia (EBS5C). Also called: PLEC-Related Epidermolysis Bullosa with Pyloric Atresia; Epidermolysis bullosa simplex with pyloric atresia; PLEC1-Related Epidermolysis Bullosa with Pyloric Atresia. Identifiers: Orphanet 158684, MedGen C2677349, MONDO:0012807, OMIM 612138.
Autosomal recessive limb-girdle muscular dystrophy type 2Q (LGMDR17). Also called: MUSCULAR DYSTROPHY, LIMB-GIRDLE, AUTOSOMAL RECESSIVE 17. Identifiers: Orphanet 254361, MedGen C3150989, MONDO:0013390, OMIM 613723.
Epidermolysis bullosa simplex 5B, with muscular dystrophy (EBS5B). Also called: Epidermolysis bullosa simplex with muscular dystrophy; EPIDERMOLYSIS BULLOSA SIMPLEX AND LIMB-GIRDLE MUSCULAR DYSTROPHY. Identifiers: Orphanet 257, MedGen C2931072, MONDO:0009181, OMIM 226670.
Epidermolysis bullosa simplex with nail dystrophy (EBS5D). Identifiers: MedGen C4225309, MONDO:0014661, OMIM 616487.

Allele frequency attached by ClinVar (database versions not stated): TOPMed 0.00001; gnomAD exomes 0.00002; ExAC 0.00003.

Submissions (2):

Labcorp Genetics (formerly Invitae), Labcorp
Classification: Uncertain significance for Autosomal recessive limb-girdle muscular dystrophy type 2Q; Epidermolysis bullosa simplex, Ogna type; Epidermolysis bullosa simplex with nail dystrophy; Epidermolysis bullosa simplex 5C, with pyloric atresia; Epidermolysis bullosa simplex 5B, with muscular dystrophy. Last evaluated: 2022-07-03. Review status: criteria provided, single submitter. Criteria: Invitae Variant Classification Sherloc (09022015). Collection method: clinical testing. Allele origin: germline.
Comment: This sequence change replaces aspartic acid, which is acidic and polar, with asparagine, which is neutral and polar, at codon 1223 of the PLEC protein (p.Asp1223Asn). This variant is present in population databases (rs782221430, gnomAD 0.003%). This variant has not been reported in the literature in individuals affected with PLEC-related conditions. Algorithms developed to predict the effect of missense changes on protein structure and function are either unavailable or do not agree on the potential impact of this missense change (SIFT: "Deleterious"; PolyPhen-2: "Not Available"; Align-GVGD: "Class C0"). In summary, the available evidence is currently insufficient to determine the role of this variant in disease. Therefore, it has been classified as a Variant of Uncertain Significance.

Revvity Omics, Revvity
Classification: Uncertain significance. Last evaluated: 2021-04-23. Review status: criteria provided, single submitter. Criteria: ACMG Guidelines, 2015. Collection method: clinical testing. Allele origin: germline.

NM_201384.3(PLEC):c.3586G>A (p.Asp1196Asn)

Gene: PLEC (plectin; minus strand). Cytogenetic location: 8q24.3.
Variant type: single nucleotide variant.
Coding change: c.3586G>A on transcript NM_201384.3 (MANE Select); coding-DNA position 3586, G replaced by A.
Protein change: p.Asp1196Asn; replaces aspartic acid 1196 with asparagine.
Molecular consequence: missense variant.
Genome position (GRCh38, 1-based): chr8:143,927,580, C>T on the plus strand (G>A on the coding strand, the complement: PLEC is on the minus strand). VCF-style: chr8-143927580-C-T. GRCh37 (hg19) VCF-style: chr8-145001748-C-T.
Other names: c.3667G>A, p.Asp1223Asn (NM_000445.5, NM_001410941.1); c.3544G>A, p.Asp1182Asn (NM_201378.4); c.3520G>A, p.Asp1174Asn (NM_201379.3); c.3997G>A, p.Asp1333Asn (NM_201380.4); c.3490G>A, p.Asp1164Asn (NM_201381.3); c.3586G>A, p.Asp1196Asn (NM_201382.4); c.3598G>A, p.Asp1200Asn (NM_201383.3); short protein forms D1223N, D1174N, D1200N, D1164N, D1182N, D1333N, D1196N.
Identifiers: ClinVar variation 2029387 (VCV002029387.7), dbSNP rs782221430, ClinGen allele CA4927015.
Genomic context (GRCh38, chr8:143,927,580, plus strand): 5'-CACTCTCGCGGTAGTAACGCAGCTGGCGGCCCAGTTGCTCGAGCTCGCGCTGCCGCACGT[C>T]GGTCTGGGCCAGCACAGCCTGCCAGCGCTCAAGCAACTGGGCGACCCGCTCCCGCCAGCG-3'
Protein context (NP_958786.1, residues 1186-1206): ERWQAVLAQT[Asp1196Asn]VRQRELEQLG